The following is an entry in ClinVar:

ClinVar aggregate classification (germline): Likely pathogenic (1 of 4 stars; one submission).

Conditions:
Usher syndrome type 1D (USH1D). Also called: USHER SYNDROME, TYPE ID. Identifiers: Orphanet 231169, Orphanet 886, MedGen C1832845, MONDO:0010984, OMIM 601067.

Submission:

Myriad Genetics, Inc.
Classification: Likely pathogenic for Usher syndrome type 1D. Last evaluated: 2022-03-15. Review status: criteria provided, single submitter. Criteria: Myriad Women's Health Autosomal Recessive and X-Linked Classification Criteria (2021). Collection method: clinical testing. Allele origin: unknown.
Comment: NM_033056.3(PCDH15):c.4034_4035delAT(Y1345Wfs*19) is expected to be pathogenic in the context of PCDH15-related disorders. This variant is predicted to lead to an abnormal or absent protein product due to the creation of a premature termination codon in PCDH15, a gene where loss-of-function variants are known to be pathogenic. Please note: this variant was assessed in the context of healthy population screening.

NM_001384140.1(PCDH15):c.4034_4035del (p.Tyr1345fs)

Gene: PCDH15 (protocadherin related 15; minus strand). Cytogenetic location: 10q21.1.
Variant type: Deletion.
Coding change: c.4034_4035del on transcript NM_001384140.1 (MANE Select); coding-DNA positions 4034 to 4035, 2 bases deleted (AT; older notation c.4034_4035delAT).
Protein change: p.Tyr1345fs; shifts the reading frame from tyrosine 1345.
Molecular consequence: frameshift variant.
Genome position (GRCh38, 1-based): chr10:53,831,482-53,831,483, AT deleted on the plus strand (AT on the coding strand, the reverse complement: PCDH15 is on the minus strand); deleting any 2 consecutive bases within chr10:53,831,482-53,831,484 gives the same sequence; the c. name uses the placement nearest the transcript's 3' end. VCF-style (leftmost placement, unchanged base first): chr10-53831481-CAT-C. GRCh37 (hg19) VCF-style: chr10-55591241-CAT-C.
Other names: c.4049_4050del, p.Tyr1350fs (NM_001142763.2, NM_001142771.2); c.4034_4035del, p.Tyr1345fs (NM_001142764.2, NM_001142766.2, NM_001142770.3 and 4 more transcripts); c.3821_3822del, p.Tyr1274fs (NM_001142765.2); c.3923_3924del, p.Tyr1308fs (NM_001142767.2); c.3968_3969del, p.Tyr1323fs (NM_001142768.2, NM_001142773.2, NM_001354404.2); c.4069_4070delTA, p.Tyr1357Trpfs (NM_001142769.4); c.4055_4056del, p.Tyr1352fs (NM_001354411.2); short protein forms Y1274fs, Y1308fs, Y1323fs, Y1345fs, Y1350fs, Y1352fs, Y1357fs.
Identifiers: ClinVar variation 1725234 (VCV001725234.2), dbSNP rs2492658988, ClinGen allele CA2580081788.